The following is an entry in ClinVar:

ClinVar aggregate classification (germline): Uncertain significance. Review status: criteria provided, multiple submitters, no conflicts (2 of 4 stars). 2 submissions from 2 submitters: Uncertain significance (2). Last evaluated 2024-07-25.

Conditions:
Hereditary cancer-predisposing syndrome. Also called: Neoplastic Syndromes, Hereditary; Tumor predisposition; Hereditary Cancer Syndrome; Hereditary neoplastic syndrome. Identifiers: Orphanet 140162, MedGen C0027672, MeSH D009386, MONDO:0015356.
Familial adenomatous polyposis 1 (FAP1). Also called: FAMILIAL ADENOMATOUS POLYPOSIS 1, ATTENUATED; POLYPOSIS, ADENOMATOUS INTESTINAL. Identifiers: MedGen C2713442, MONDO:0021056, OMIM 175100. Disease mechanism: loss of function.

gnomAD v4.1: 3 of 1,613,926 alleles (0.00019%); highest among the groups gnomAD compares: South Asian, 0.0011%; no homozygotes.

Submissions (2):

Labcorp Genetics (formerly Invitae), Labcorp
Classification: Uncertain significance for Familial adenomatous polyposis 1. Last evaluated: 2024-07-25. Review status: criteria provided, single submitter. Criteria: Invitae Variant Classification Sherloc (09022015). Collection method: clinical testing. Allele origin: germline.
Comment: This sequence change replaces threonine, which is neutral and polar, with asparagine, which is neutral and polar, at codon 2379 of the APC protein (p.Thr2379Asn). This variant is present in population databases (no rsID available, gnomAD 0.0009%). This variant has not been reported in the literature in individuals affected with APC-related conditions. ClinVar contains an entry for this variant (Variation ID: 1757329). Advanced modeling of protein sequence and biophysical properties (such as structural, functional, and spatial information, amino acid conservation, physicochemical variation, residue mobility, and thermodynamic stability) performed at Invitae indicates that this missense variant is not expected to disrupt APC protein function with a negative predictive value of 95%. In summary, the available evidence is currently insufficient to determine the role of this variant in disease. Therefore, it has been classified as a Variant of Uncertain Significance.

Ambry Genetics
Classification: Uncertain significance for Hereditary cancer-predisposing syndrome. Last evaluated: 2021-07-27. Review status: criteria provided, single submitter. Criteria: Ambry Variant Classification Scheme 2023. Collection method: clinical testing. Allele origin: germline.
Comment: The p.T2379N variant (also known as c.7136C>A), located in coding exon 15 of the APC gene, results from a C to A substitution at nucleotide position 7136. The threonine at codon 2379 is replaced by asparagine, an amino acid with similar properties. This amino acid position is not well conserved in available vertebrate species. In addition, in silico predictors for this gene do not accurately predict pathogenicity. Since supporting evidence is limited at this time, the clinical significance of this alteration remains unclear.

NM_000038.6(APC):c.7136C>A (p.Thr2379Asn)

Gene: APC (APC regulator of Wnt signaling pathway; plus strand). Cytogenetic location: 5q22.2.
Variant type: single nucleotide variant.
Coding change: c.7136C>A on transcript NM_000038.6 (MANE Select); coding-DNA position 7136, C replaced by A.
Protein change: p.Thr2379Asn; replaces threonine 2379 with asparagine.
Molecular consequence: missense variant.
Genome position (GRCh38, 1-based): chr5:112,842,730, C>A. VCF-style: chr5-112842730-C-A. GRCh37 (hg19) VCF-style: chr5-112178427-C-A.
Other names: c.7136C>A, p.Thr2379Asn (NM_001127510.3, NM_001354895.2, NM_001407450.1); c.7082C>A, p.Thr2361Asn (NM_001127511.3); c.7190C>A, p.Thr2397Asn (NM_001354896.2, NM_001407447.1, NM_001407448.1 and 1 more transcripts); c.7166C>A, p.Thr2389Asn (NM_001354897.2); c.7061C>A, p.Thr2354Asn (NM_001354898.2); c.7052C>A, p.Thr2351Asn (NM_001354899.2); c.7013C>A, p.Thr2338Asn (NM_001354900.2); c.6959C>A, p.Thr2320Asn (NM_001354901.2, NM_001407453.1); and 11 more; short protein forms T2320N, T2372N, T2397N, T2219N, T2338N, T2379N, T2407N, T2278N.
Identifiers: ClinVar variation 1757329 (VCV001757329.4), dbSNP rs767691072, ClinGen allele CA16036873.